The following is an entry in ClinVar:

NM_002641.4(PIGA):c.1201G>C (p.Val401Leu)

Gene: PIGA (phosphatidylinositol glycan anchor biosynthesis class A; minus strand). Cytogenetic location: Xp22.2.
Variant type: single nucleotide variant.
Coding change: c.1201G>C on transcript NM_002641.4 (MANE Select); coding-DNA position 1201, G replaced by C.
Protein change: p.Val401Leu; replaces valine 401 with leucine.
Molecular consequence: missense variant. On other transcripts: non-coding transcript variant (2).
Genome position (GRCh38, 1-based): chrX:15,321,760, C>G on the plus strand (G>C on the coding strand, the complement: PIGA is on the minus strand). VCF-style: chrX-15321760-C-G. GRCh37 (hg19) VCF-style: chrX-15339882-C-G.
Other names: c.499G>C, p.Val167Leu (NM_020473.3); short protein forms V401L, V167L.
Identifiers: ClinVar variation 1405994 (VCV001405994.8), dbSNP rs759697480, ClinGen allele CA412334880.

ClinVar aggregate classification (germline): Uncertain significance (1 of 4 stars; one submission).

Conditions:
Multiple congenital anomalies-hypotonia-seizures syndrome 2 (MCAHS2). Also called: EPILEPTIC ENCEPHALOPATHY, EARLY INFANTILE, 20; GLYCOSYLPHOSPHATIDYLINOSITOL BIOSYNTHESIS DEFECT 4. Identifiers: Orphanet 300496, MedGen C3275508, MONDO:0010466, OMIM 300868.

gnomAD v4.1: 7 of 1,210,086 alleles (0.00058%); highest among the groups gnomAD compares: Admixed American, 0.0065%; no homozygotes.

Submission:

Labcorp Genetics (formerly Invitae), Labcorp
Classification: Uncertain significance for Multiple congenital anomalies-hypotonia-seizures syndrome 2. Last evaluated: 2022-07-19. Review status: criteria provided, single submitter. Criteria: Invitae Variant Classification Sherloc (09022015). Collection method: clinical testing. Allele origin: germline.
Comment: In summary, the available evidence is currently insufficient to determine the role of this variant in disease. Therefore, it has been classified as a Variant of Uncertain Significance. Algorithms developed to predict the effect of missense changes on protein structure and function (SIFT, PolyPhen-2, Align-GVGD) all suggest that this variant is likely to be tolerated. ClinVar contains an entry for this variant (Variation ID: 1405994). This variant has not been reported in the literature in individuals affected with PIGA-related conditions. This variant is present in population databases (no rsID available, gnomAD 0.008%), including at least one homozygous and/or hemizygous individual. This sequence change replaces valine, which is neutral and non-polar, with leucine, which is neutral and non-polar, at codon 401 of the PIGA protein (p.Val401Leu).